The following is an entry in ClinVar:

NM_005921.2(MAP3K1):c.4258-5T>C

Gene: MAP3K1 (mitogen-activated protein kinase kinase kinase 1; plus strand). Cytogenetic location: 5q11.2.
Variant type: single nucleotide variant.
Coding change: c.4258-5T>C on transcript NM_005921.2 (MANE Select); 5 bases into the intron before coding-DNA position 4258, T replaced by C.
Molecular consequence: intron variant.
Genome position (GRCh38, 1-based): chr5:56,888,221, T>C. VCF-style: chr5-56888221-T-C. GRCh37 (hg19) VCF-style: chr5-56184048-T-C.
Identifiers: ClinVar variation 581171 (VCV000581171.10), dbSNP rs761483754, ClinGen allele CA3273361.
Genomic context (GRCh38, chr5:56,888,221, plus strand): 5'-ACTACAAAATGGCCTTCTCTTTTTCAAATGAGTCCTATTTCCAAATTAACTCTGATTTAT[T>C]TTAGGTACTAAGAGGTCAACAGTATGGAAGGAGCTGTGATGTATGGAGTGTTGGCTGTGC-3'

ClinVar aggregate classification (germline): Likely benign. Review status: criteria provided, single submitter (1 of 4 stars). 2 submissions from 2 submitters: Likely benign (1). 1 of the submissions does not count toward it. Last evaluated 2024-02-17.

Conditions:
MAP3K1-related disorder. Also called: MAP3K1-related condition.
46,XY sex reversal 6. Also called: 46,XY GONADAL DYSGENESIS, PARTIAL OR COMPLETE, MAP3K1-RELATED; 46,XY SEX REVERSAL, PARTIAL OR COMPLETE, MAP3K1-RELATED. Identifiers: MedGen C3151064, MONDO:0013410, OMIM 613762.

Allele frequency attached by ClinVar (database versions not stated): TOPMed below 0.00001; ExAC 0.00001; gnomAD 0.00001; gnomAD exomes 0.00001.
gnomAD v4.1: 5 of 1,613,256 alleles (0.00031%); highest among the groups gnomAD compares: Admixed American, 0.0083%; no homozygotes.

Submissions (2):

Labcorp Genetics (formerly Invitae), Labcorp
Classification: Likely benign for 46,XY sex reversal 6. Last evaluated: 2024-02-17. Review status: criteria provided, single submitter. Criteria: Invitae Variant Classification Sherloc (09022015). Collection method: clinical testing. Allele origin: germline.

PreventionGenetics, part of Exact Sciences
Classification: Likely benign for MAP3K1-related condition. Last evaluated: 2019-08-21. Review status: no assertion criteria provided. Collection method: clinical testing. Allele origin: germline. Not counted in ClinVar's aggregate classification.
Comment: This variant is classified as likely benign based on ACMG/AMP sequence variant interpretation guidelines (Richards et al. 2015 PMID: 25741868, with internal and published modifications).